The following is an entry in ClinVar:

ClinVar aggregate classification (germline): Conflicting classifications of pathogenicity. Review status: criteria provided, conflicting classifications (1 of 4 stars). 8 submissions from 8 submitters: Uncertain significance (7); Likely benign (1). Last evaluated 2026-04-03.

Conditions:
ADGRV1-related disorder. Also called: ADGRV1-related condition; ADGRV1-related disorders.
Meniere disease. Also called: Ménière's disease. Identifiers: MedGen C0025281, MONDO:0007972, OMIM 156000.
Usher syndrome type 2C. Also called: Usher syndrome, type 2B; USHER SYNDROME, TYPE IIC. Identifiers: Orphanet 231178, Orphanet 886, MedGen C2931213, MONDO:0011558, OMIM 605472.

Allele frequency attached by ClinVar (database versions not stated): ESP Exome Variant Server 0.00008; ExAC 0.00010; gnomAD 0.00017 and 0.00019; TOPMed 0.00026.
gnomAD v4.1: 104 of 1,610,544 alleles (0.0065%); highest among the groups gnomAD compares: African/African-American, 0.036%; 1 homozygote.

Submissions (8):

PreventionGenetics, part of Exact Sciences
Classification: Uncertain significance for ADGRV1-related condition. Last evaluated: 2026-04-03. Review status: criteria provided, single submitter. Criteria: ACMG Guidelines, 2015. Collection method: clinical testing. Allele origin: germline.
Comment: The ADGRV1 c.16640G>A variant is predicted to result in the amino acid substitution p.Arg5547His. This variant was reported in an individual with meniere disease, however this individual was also reported to have a variant in MYO7A (Roman-Naranjo et al. 2021. PubMed ID: 34391192). This variant is reported in 0.050% of alleles in individuals of African descent in gnomAD. At this time, the clinical significance of this variant is uncertain due to the absence of conclusive functional and genetic evidence.

Labcorp Genetics (formerly Invitae), Labcorp
Classification: Likely benign. Last evaluated: 2025-10-09. Review status: criteria provided, single submitter. Criteria: Invitae Variant Classification Sherloc (09022015). Collection method: clinical testing. Allele origin: germline.

GeneDx
Classification: Uncertain significance. Last evaluated: 2025-07-23. Review status: criteria provided, single submitter. Criteria: GeneDx Variant Classification Process June 2021. Collection method: clinical testing. Allele origin: germline.
Comment: Reported in a patient with Meniere's disease in published literature (Roman-Naranjo et al., 2021); this patient also was found to have a heterozygous MYO7A variant; In silico analysis suggests that this missense variant does not alter protein structure/function; This variant is associated with the following publications: (PMID: 27149842, 34391192)

Laboratory of Prof. Karen Avraham, Tel Aviv University
Classification: Uncertain significance for Usher syndrome type 2C. Last evaluated: 2024-12-25. Review status: criteria provided, single submitter. Criteria: ACMG Guidelines, 2015. Collection method: research. Allele origin: germline. Affected: yes. Observed: 1 variant allele.

Blueprint Genetics
Classification: Uncertain significance. Last evaluated: 2024-11-19. Review status: criteria provided, single submitter. Criteria: ACMG Guidelines, 2015. Collection method: clinical testing. Allele origin: germline.

Otology & Neurotology- Genomics of vestibular disorders (CTS-495), Jose Antonio López Escámez, Centro Pfizer - Universidad de Granada - Junta de Andalucía de Genómica e Investigación Oncológica (GENYO)
Classification: Uncertain significance for Meniere disease. Last evaluated: 2021-06-21. Review status: criteria provided, single submitter. Criteria: ACMG Guidelines, 2015. Collection method: case-control. Allele origin: inherited. Affected: yes.
Comment: Digenic inheritance along with NM_000260.4:c.2617C>T(MYO7A)

Eurofins Ntd Llc (ga)
Classification: Uncertain significance. Last evaluated: 2016-10-14. Review status: criteria provided, single submitter. Criteria: EGL Classification Definitions 2015. Collection method: clinical testing. Allele origin: germline. Observed: 1 variant allele, 1 heterozygote.

Laboratory for Molecular Medicine, Mass General Brigham Personalized Medicine
Classification: Uncertain significance. Last evaluated: 2015-06-08. Review status: criteria provided, single submitter. Criteria: LMM Criteria. Collection method: clinical testing. Allele origin: germline. Observed: 1 variant allele.
Comment: Variant classified as Uncertain Significance - Favor Benign. The p.Arg5547His va riant in GPR98 has not been previously reported in individuals with hearing loss , but has been identified in 12/117174 chromosomes across multiple populations b y the Exome Aggregation Consortium (ExAC; dbSNP rs200907244). The arginine (Arg) at position 5547 is not conserved in mammals or evolutionarily distant species, with 1 mammal (manatee) having a histidine (His ) at this position, suggesting that this change may be tolerated. Additional com putational prediction tools suggest that the p.Arg5547His variant may not impact the protein, though this information is not predictive enough to rule out patho genicity. In summary, while the clinical significance of the p.Arg5547His varian t is uncertain, its lack of evolutionarily conservation suggests that it is more likely to be benign.

NM_032119.4(ADGRV1):c.16640G>A (p.Arg5547His)

Gene: ADGRV1 (adhesion G protein-coupled receptor V1; plus strand). Cytogenetic location: 5q14.3.
Variant type: single nucleotide variant.
Coding change: c.16640G>A on transcript NM_032119.4 (MANE Select); coding-DNA position 16640, G replaced by A.
Protein change: p.Arg5547His; replaces arginine 5547 with histidine.
Molecular consequence: missense variant. On other transcripts: non-coding transcript variant (1).
Genome position (GRCh38, 1-based): chr5:90,840,606, G>A. VCF-style: chr5-90840606-G-A. GRCh37 (hg19) VCF-style: chr5-90136423-G-A.
Other names: USH2C; short protein forms R5547H.
Identifiers: ClinVar variation 228715 (VCV000228715.22), dbSNP rs200907244, ClinGen allele CA3342213.